The following is an entry in ClinVar:

ClinVar aggregate classification (germline): Uncertain significance (1 of 4 stars; one submission).

gnomAD v4.1: 3 of 1,613,292 alleles (0.00019%); highest among the groups gnomAD compares: Non-Finnish European, 0.00017%; no homozygotes.

Submission:

Labcorp Genetics (formerly Invitae), Labcorp
Classification: Uncertain significance. Last evaluated: 2022-06-14. Review status: criteria provided, single submitter. Criteria: Invitae Variant Classification Sherloc (09022015). Collection method: clinical testing. Allele origin: germline.
Comment: In summary, the available evidence is currently insufficient to determine the role of this variant in disease. Therefore, it has been classified as a Variant of Uncertain Significance. Algorithms developed to predict the effect of missense changes on protein structure and function output the following: SIFT: "Tolerated"; PolyPhen-2: "Benign"; Align-GVGD: "Class C0". The arginine amino acid residue is found in multiple mammalian species, which suggests that this missense change does not adversely affect protein function. This variant has not been reported in the literature in individuals affected with GPR179-related conditions. This variant is not present in population databases (gnomAD no frequency). This sequence change replaces serine, which is neutral and polar, with arginine, which is basic and polar, at codon 1837 of the GPR179 protein (p.Ser1837Arg).

NM_001004334.4(GPR179):c.5511T>A (p.Ser1837Arg)

Gene: GPR179 (G protein-coupled receptor 179; minus strand). Cytogenetic location: 17q12.
Variant type: single nucleotide variant.
Coding change: c.5511T>A on transcript NM_001004334.4 (MANE Select); coding-DNA position 5511, T replaced by A.
Protein change: p.Ser1837Arg; replaces serine 1837 with arginine.
Molecular consequence: missense variant.
Genome position (GRCh38, 1-based): chr17:38,328,058, A>T on the plus strand (T>A on the coding strand, the complement: GPR179 is on the minus strand). VCF-style: chr17-38328058-A-T. GRCh37 (hg19) VCF-style: chr17-36483941-A-T.
Other names: short protein forms S1837R.
Identifiers: ClinVar variation 1964516 (VCV001964516.5), dbSNP rs768572054, ClinGen allele CA398871681.